The following is an entry in ClinVar:

NM_000551.4(VHL):c.67T>A (p.Tyr23Asn)

Gene: VHL (von Hippel-Lindau tumor suppressor; plus strand). Cytogenetic location: 3p25.3.
Variant type: single nucleotide variant.
Coding change: c.67T>A on transcript NM_000551.4 (MANE Select); coding-DNA position 67, T replaced by A.
Protein change: p.Tyr23Asn; replaces tyrosine 23 with asparagine.
Molecular consequence: missense variant. On other transcripts: non-coding transcript variant (1).
Genome position (GRCh38, 1-based): chr3:10,141,914, T>A. VCF-style: chr3-10141914-T-A. GRCh37 (hg19) VCF-style: chr3-10183598-T-A.
Other names: c.67T>A, p.Tyr23Asn (NM_001354723.2, NM_198156.3); short protein forms Y23N.
Identifiers: ClinVar variation 2952316 (VCV002952316.4), dbSNP rs1696118253, ClinGen allele CA351747386.
Genomic context (GRCh38, chr3:10,141,914, plus strand): 5'-CGGAGGGCGGAGAACTGGGACGAGGCCGAGGTAGGCGCGGAGGAGGCAGGCGTCGAAGAG[T>A]ACGGCCCTGAAGAAGACGGCGGGGAGGAGTCGGGCGCCGAGGAGTCCGGCCCGGAAGAGT-3'
Protein context (NP_000542.1, residues 13-33): VGAEEAGVEE[Tyr23Asn]GPEEDGGEES

ClinVar aggregate classification (germline): Conflicting classifications of pathogenicity. Review status: criteria provided, conflicting classifications (1 of 4 stars). 2 submissions from 2 submitters: Uncertain significance (1); Likely benign (1). Last evaluated 2026-09-01.

Conditions:
Hereditary cancer-predisposing syndrome. Also called: Hereditary Cancer Syndrome; Hereditary neoplastic syndrome; Neoplastic Syndromes, Hereditary; Tumor predisposition. Identifiers: Orphanet 140162, MedGen C0027672, MeSH D009386, MONDO:0015356.
Von Hippel-Lindau syndrome (VHLS). Also called: Von Hippel-Lindau; von Hippel–Lindau syndrome; VHL syndrome. Identifiers: Orphanet 892, MedGen C0019562, MONDO:0008667, OMIM 193300. Disease mechanism: loss of function.
Chuvash polycythemia. Also called: POLYCYTHEMIA, VHL-DEPENDENT. Identifiers: Orphanet 238557, MedGen C1837915, MONDO:0009892, OMIM 263400.

Submissions (2):

Ambry Genetics
Classification: Likely benign for Hereditary cancer-predisposing syndrome. Last evaluated: 2026-09-01. Review status: criteria provided, single submitter. Criteria: Ambry Variant Classification Scheme 2023. Collection method: clinical testing. Allele origin: germline.

Labcorp Genetics (formerly Invitae), Labcorp
Classification: Uncertain significance for Von Hippel-Lindau syndrome; Chuvash polycythemia. Last evaluated: 2023-09-27. Review status: criteria provided, single submitter. Criteria: Invitae Variant Classification Sherloc (09022015). Collection method: clinical testing. Allele origin: germline.
Comment: In summary, the available evidence is currently insufficient to determine the role of this variant in disease. Therefore, it has been classified as a Variant of Uncertain Significance. Advanced modeling of protein sequence and biophysical properties (such as structural, functional, and spatial information, amino acid conservation, physicochemical variation, residue mobility, and thermodynamic stability) performed at Invitae indicates that this missense variant is not expected to disrupt VHL protein function. This variant has not been reported in the literature in individuals affected with VHL-related conditions. This variant is not present in population databases (gnomAD no frequency). This sequence change replaces tyrosine, which is neutral and polar, with asparagine, which is neutral and polar, at codon 23 of the VHL protein (p.Tyr23Asn).